The following is an entry in ClinVar:

NM_057175.5(NAA15):c.1539+5G>A

Gene: NAA15 (N-alpha-acetyltransferase 15, NatA auxiliary subunit; plus strand). Cytogenetic location: 4q31.1.
Variant type: single nucleotide variant.
Coding change: c.1539+5G>A on transcript NM_057175.5 (MANE Select); 5 bases into the intron after coding-DNA position 1539, G replaced by A.
Molecular consequence: intron variant.
Genome position (GRCh38, 1-based): chr4:139,360,633, G>A. VCF-style: chr4-139360633-G-A. GRCh37 (hg19) VCF-style: chr4-140281787-G-A.
Other names: c.1539+5G>A (NM_001410842.1).
Identifiers: ClinVar variation 4891121 (VCV004891121.1).

ClinVar aggregate classification (germline): Uncertain significance (1 of 4 stars; one submission).

Submission:

Greenwood Genetic Center Diagnostic Laboratories, Greenwood Genetic Center
Classification: Uncertain significance. Last evaluated: 2026-06-02. Review status: criteria provided, single submitter. Criteria: ACMG Guidelines, 2015. Collection method: clinical testing. Allele origin: germline.
Comment: PM2, PP3